The following is an entry in ClinVar:

NM_003051.4(SLC16A1):c.494A>G (p.Asn165Ser)

Gene: SLC16A1 (solute carrier family 16 member 1; minus strand). Cytogenetic location: 1p13.2.
Variant type: single nucleotide variant.
Coding change: c.494A>G on transcript NM_003051.4 (MANE Select); coding-DNA position 494, A replaced by G.
Protein change: p.Asn165Ser; replaces asparagine 165 with serine.
Molecular consequence: missense variant.
Genome position (GRCh38, 1-based): chr1:112,917,912, T>C on the plus strand (A>G on the coding strand, the complement: SLC16A1 is on the minus strand). VCF-style: chr1-112917912-T-C. GRCh37 (hg19) VCF-style: chr1-113460534-T-C.
Other names: c.494A>G, p.Asn165Ser (NM_001166496.2); short protein forms N165S.
Identifiers: ClinVar variation 1969627 (VCV001969627.6), dbSNP rs1001233585, ClinGen allele CA29390966.

ClinVar aggregate classification (germline): Uncertain significance (1 of 4 stars; one submission).

Allele frequency attached by ClinVar (database versions not stated): gnomAD exomes below 0.00001.
gnomAD v4.1: 4 of 1,606,346 alleles (0.00025%); highest among the groups gnomAD compares: Non-Finnish European, 0.00017%; no homozygotes.

Submissions (2):

Labcorp Genetics (formerly Invitae), Labcorp
Classification: Uncertain significance. Last evaluated: 2023-10-05. Review status: criteria provided, single submitter. Criteria: Invitae Variant Classification Sherloc (09022015). Collection method: clinical testing. Allele origin: germline.
Comment: This sequence change replaces asparagine, which is neutral and polar, with serine, which is neutral and polar, at codon 165 of the SLC16A1 protein (p.Asn165Ser). This variant is not present in population databases (gnomAD no frequency). This variant has not been reported in the literature in individuals affected with SLC16A1-related conditions. ClinVar contains an entry for this variant (Variation ID: 1969627). An algorithm developed to predict the effect of missense changes on protein structure and function (PolyPhen-2) suggests that this variant is likely to be disruptive. In summary, the available evidence is currently insufficient to determine the role of this variant in disease. Therefore, it has been classified as a Variant of Uncertain Significance.

Dr. Peter K. Rogan Lab, Western University
No classification provided (evidence only). Condition: Colon adenocarcinoma. Review status: no classification provided. Collection method: in vitro. Allele origin: not applicable. Functional consequence: retained intron. Not counted in ClinVar's aggregate classification.